The following is an entry in ClinVar:

ClinVar aggregate classification (germline): Uncertain significance (1 of 4 stars; one submission).

Conditions:
Inborn genetic diseases. Identifiers: MedGen C0950123, MeSH D030342.

Submission:

Ambry Genetics
Classification: Uncertain significance for Inborn genetic diseases. Last evaluated: 2024-12-26. Review status: criteria provided, single submitter. Criteria: Ambry Variant Classification Scheme 2023. Collection method: clinical testing. Allele origin: germline.
Comment: The p.K1877Q variant (also known as c.5629A>C), located in coding exon 21 of the FANCM gene, results from an A to C substitution at nucleotide position 5629. The lysine at codon 1877 is replaced by glutamine, an amino acid with similar properties. This amino acid position is conserved. In addition, this alteration is predicted to be tolerated by in silico analysis. Based on the available evidence, the clinical significance of this variant remains unclear.

NM_020937.4(FANCM):c.5629A>C (p.Lys1877Gln)

Gene: FANCM (FA complementation group M; plus strand). Cytogenetic location: 14q21.2.
Variant type: single nucleotide variant.
Coding change: c.5629A>C on transcript NM_020937.4 (MANE Select); coding-DNA position 5629, A replaced by C.
Protein change: p.Lys1877Gln; replaces lysine 1877 with glutamine.
Molecular consequence: missense variant.
Genome position (GRCh38, 1-based): chr14:45,196,460, A>C. VCF-style: chr14-45196460-A-C. GRCh37 (hg19) VCF-style: chr14-45665663-A-C.
Other names: c.5551A>C, p.Lys1851Gln (NM_001308133.2); short protein forms K1851Q, K1877Q.
Identifiers: ClinVar variation 3848547 (VCV003848547.1).